The following is an entry in ClinVar:

NM_182914.3(SYNE2):c.18525A>G (p.Glu6175=)

Gene: SYNE2 (spectrin repeat containing nuclear envelope protein 2; plus strand). Cytogenetic location: 14q23.2.
Variant type: single nucleotide variant.
Coding change: c.18525A>G on transcript NM_182914.3 (MANE Select); coding-DNA position 18525, A replaced by G.
Protein change: p.Glu6175=; no amino-acid change (glutamic acid 6175 retained).
Molecular consequence: synonymous variant.
Genome position (GRCh38, 1-based): chr14:64,209,563, A>G. VCF-style: chr14-64209563-A-G. GRCh37 (hg19) VCF-style: chr14-64676281-A-G.
Other names: c.18525A>G, p.Glu6175= (NM_015180.6).
Identifiers: ClinVar variation 3058332 (VCV003058332.2), dbSNP rs780655642, ClinGen allele CA7224104.

ClinVar aggregate classification (germline): Likely benign (0 of 4 stars; one submission).

Conditions:
SYNE2-related disorder. Also called: SYNE2-related condition.

Allele frequency attached by ClinVar (database versions not stated): gnomAD 0.00001; gnomAD exomes 0.00001; ExAC 0.00002; TOPMed 0.00002.
gnomAD v4.1: 17 of 1,614,028 alleles (0.0011%); highest among the groups gnomAD compares: Admixed American, 0.0083%; no homozygotes.

Submission:

PreventionGenetics, part of Exact Sciences
Classification: Likely benign for SYNE2-related condition. Last evaluated: 2019-03-14. Review status: no assertion criteria provided. Collection method: clinical testing. Allele origin: germline.
Comment: This variant is classified as likely benign based on ACMG/AMP sequence variant interpretation guidelines (Richards et al. 2015 PMID: 25741868, with internal and published modifications).